The following is an entry in ClinVar:

ClinVar aggregate classification (germline): Pathogenic (1 of 4 stars; one submission).

Conditions:
Multiple epiphyseal dysplasia, Beighton type. Identifiers: Orphanet 166011, MedGen C1851536, MONDO:0007562, OMIM 132450.

Submission:

Variantyx, Inc.
Classification: Pathogenic for Multiple epiphyseal dysplasia, Beighton type. Last evaluated: 2025-08-21. Review status: criteria provided, single submitter. Criteria: Variantyx Assertion Criteria 2022. Collection method: clinical testing. Allele origin: de novo. Inheritance: Autosomal dominant inheritance. Affected: yes.
Comment: This is a nonsynonymous variant in the COL2A1 gene (OMIM: 120140). Pathogenic variants in this gene have been associated with autosomal dominant multiple epiphyseal dysplasia with myopia and conductive deafness. It has been reported in at least one unrelated affected individual (PMID: 37895220) (PS4_Moderate) and it lies within a well-established critical functional domain of the COL2A1 protein (PMID: 11668615) (PM1). Multiple computational algorithms predict a deleterious effect for this variant (REVEL score: 0.97) (PP3). This variant is absent from control populations (PM2). Based on the current evidence, this variant is classified as pathogenic for autosomal dominant Multiple epiphyseal dysplasia with myopia and conductive deafness. This variant was reported by previous genetic testing.

Literature cited by the submitters: PubMed 11668615; PubMed 37895220.

NM_001844.5(COL2A1):c.1835G>T (p.Gly612Val)

Gene: COL2A1 (collagen type II alpha 1 chain; minus strand). Cytogenetic location: 12q13.11.
Variant type: single nucleotide variant.
Coding change: c.1835G>T on transcript NM_001844.5 (MANE Select); coding-DNA position 1835, G replaced by T.
Protein change: p.Gly612Val; replaces glycine 612 with valine.
Molecular consequence: missense variant.
Genome position (GRCh38, 1-based): chr12:47,984,598, C>A on the plus strand (G>T on the coding strand, the complement: COL2A1 is on the minus strand). VCF-style: chr12-47984598-C-A. GRCh37 (hg19) VCF-style: chr12-48378381-C-A.
Other names: c.1628G>T, p.Gly543Val (NM_033150.3); short protein forms G543V, G612V.
Identifiers: ClinVar variation 4850169 (VCV004850169.1).